The following is an entry in ClinVar:

NM_006031.6(PCNT):c.4201G>A (p.Glu1401Lys)

Gene: PCNT (pericentrin; plus strand). Cytogenetic location: 21q22.3.
Variant type: single nucleotide variant.
Coding change: c.4201G>A on transcript NM_006031.6 (MANE Select); coding-DNA position 4201, G replaced by A.
Protein change: p.Glu1401Lys; replaces glutamic acid 1401 with lysine.
Molecular consequence: missense variant.
Genome position (GRCh38, 1-based): chr21:46,391,361, G>A. VCF-style: chr21-46391361-G-A. GRCh37 (hg19) VCF-style: chr21-47811276-G-A.
Other names: c.3847G>A, p.Glu1283Lys (NM_001315529.2); c.4201G>A (NM_006031.5); short protein forms E1283K, E1401K.
Identifiers: ClinVar variation 1391130 (VCV001391130.7), dbSNP rs776308749, ClinGen allele CA10079563.

ClinVar aggregate classification (germline): Uncertain significance. Review status: criteria provided, multiple submitters, no conflicts (2 of 4 stars). 3 submissions from 3 submitters: Uncertain significance (2). 1 of the submissions does not count toward it. Last evaluated 2023-10-13.

Conditions:
PCNT-related disorder. Also called: PCNT-related condition.
Inborn genetic diseases. Identifiers: MedGen C0950123, MeSH D030342.

Allele frequency attached by ClinVar (database versions not stated): gnomAD exomes 0.00003 and 0.00004; gnomAD 0.00008 and 0.00009; ExAC 0.00012; TOPMed 0.00012.
gnomAD v4.1: 52 of 1,549,258 alleles (0.0034%); highest among the groups gnomAD compares: African/African-American, 0.019%; no homozygotes.

Submissions (3):

Ambry Genetics
Classification: Uncertain significance for Inborn genetic diseases. Last evaluated: 2023-10-13. Review status: criteria provided, single submitter. Criteria: Ambry Variant Classification Scheme 2023. Collection method: clinical testing. Allele origin: germline.

Labcorp Genetics (formerly Invitae), Labcorp
Classification: Uncertain significance. Last evaluated: 2021-09-24. Review status: criteria provided, single submitter. Criteria: Invitae Variant Classification Sherloc (09022015). Collection method: clinical testing. Allele origin: germline.
Comment: This sequence change replaces glutamic acid with lysine at codon 1401 of the PCNT protein (p.Glu1401Lys). The glutamic acid residue is weakly conserved and there is a small physicochemical difference between glutamic acid and lysine. This variant is present in population databases (rs776308749, ExAC 0.03%). This variant has not been reported in the literature in individuals with PCNT-related conditions. Algorithms developed to predict the effect of missense changes on protein structure and function output the following: SIFT: "Tolerated"; PolyPhen-2: "Benign"; Align-GVGD: "Class C0". The lysine amino acid residue is found in multiple mammalian species, suggesting that this missense change does not adversely affect protein function. These predictions have not been confirmed by published functional studies and their clinical significance is uncertain. In summary, the available evidence is currently insufficient to determine the role of this variant in disease. Therefore, it has been classified as a Variant of Uncertain Significance.

PreventionGenetics, part of Exact Sciences
Classification: Uncertain significance for PCNT-related condition. Last evaluated: 2024-05-07. Review status: no assertion criteria provided. Collection method: clinical testing. Allele origin: germline. Not counted in ClinVar's aggregate classification.
Comment: The PCNT c.4201G>A variant is predicted to result in the amino acid substitution p.Glu1401Lys. To our knowledge, this variant has not been reported in the literature. This variant is reported in 0.018% of alleles in individuals of South Asian descent in gnomAD. At this time, the clinical significance of this variant is uncertain due to the absence of conclusive functional and genetic evidence.